The following is an entry in ClinVar:

ClinVar aggregate classification (germline): Uncertain significance (1 of 4 stars; one submission).

Conditions:
PLXNA3-related disorder. Also called: PLXNA3-related condition.

Submission:

PreventionGenetics, part of Exact Sciences
Classification: Uncertain significance for PLXNA3-related condition. Last evaluated: 2025-10-02. Review status: criteria provided, single submitter. Criteria: ACMG Guidelines, 2015. Collection method: clinical testing. Allele origin: germline.
Comment: The PLXNA3 c.3326A>G variant is predicted to result in the amino acid substitution p.Gln1109Arg. To our knowledge, this variant has not been reported in the literature or in a large population database (gnomAD), indicating this variant is rare. At this time, the clinical significance of this variant is uncertain due to the absence of conclusive functional and genetic evidence.

NM_017514.5(PLXNA3):c.3326A>G (p.Gln1109Arg)

Gene: PLXNA3 (plexin A3; plus strand). Cytogenetic location: Xq28.
Variant type: single nucleotide variant.
Coding change: c.3326A>G on transcript NM_017514.5 (MANE Select); coding-DNA position 3326, A replaced by G.
Protein change: p.Gln1109Arg; replaces glutamine 1109 with arginine.
Molecular consequence: missense variant.
Genome position (GRCh38, 1-based): chrX:154,467,356, A>G. VCF-style: chrX-154467356-A-G. GRCh37 (hg19) VCF-style: chrX-153695699-A-G.
Other names: short protein forms Q1109R.
Identifiers: ClinVar variation 4993708 (VCV004993708.1).